The following is an entry in ClinVar:

ClinVar aggregate classification (germline): Uncertain significance (1 of 4 stars; one submission).

Conditions:
Spastic paraplegia. Identifiers: MedGen C0037772, HP:0001258.

Allele frequency attached by ClinVar (database versions not stated): gnomAD exomes 0.00001; TOPMed 0.00001.
gnomAD v4.1: 15 of 1,614,250 alleles (0.00093%); highest among the groups gnomAD compares: Non-Finnish European, 0.0013%; no homozygotes.

Submission:

Labcorp Genetics (formerly Invitae), Labcorp
Classification: Uncertain significance for Spastic paraplegia. Last evaluated: 2023-07-14. Review status: criteria provided, single submitter. Criteria: Invitae Variant Classification Sherloc (09022015). Collection method: clinical testing. Allele origin: germline.
Comment: This sequence change replaces aspartic acid, which is acidic and polar, with glutamic acid, which is acidic and polar, at codon 53 of the VAMP1 protein (p.Asp53Glu). This variant is not present in population databases (gnomAD no frequency). This variant has not been reported in the literature in individuals affected with VAMP1-related conditions. An algorithm developed to predict the effect of missense changes on protein structure and function (PolyPhen-2) suggests that this variant is likely to be tolerated. In summary, the available evidence is currently insufficient to determine the role of this variant in disease. Therefore, it has been classified as a Variant of Uncertain Significance.

NM_014231.5(VAMP1):c.159C>G (p.Asp53Glu)

Genes: TAPBPL (TAP binding protein like; plus strand), VAMP1 (vesicle associated membrane protein 1; minus strand). Cytogenetic location: 12p13.31.
Variant type: single nucleotide variant.
Coding change: c.159C>G on transcript NM_014231.5 (MANE Select); coding-DNA position 159, C replaced by G.
Protein change: p.Asp53Glu; replaces aspartic acid 53 with glutamic acid.
Molecular consequence: missense variant. On other transcripts: non-coding transcript variant (1).
Genome position (GRCh38, 1-based): chr12:6,465,971, G>C on the plus strand (C>G on the coding strand, the complement: VAMP1 is on the minus strand). VCF-style: chr12-6465971-G-C. GRCh37 (hg19) VCF-style: chr12-6575137-G-C.
Other names: c.159C>G, p.Asp53Glu (NM_001297438.2, NM_016830.4, NM_199245.3); short protein forms D53E.
Identifiers: ClinVar variation 2892082 (VCV002892082.3), dbSNP rs1468326406, ClinGen allele CA383559124.